The following is an entry in ClinVar:

ClinVar aggregate classification (germline): Uncertain significance (1 of 4 stars; one submission).

Conditions:
Bethlem myopathy 1A. Also called: MYOPATHY, BENIGN CONGENITAL, WITH CONTRACTURES; Bethlem Muscular Dystrophy; Bethlem myopathy 1. Identifiers: Orphanet 610, MedGen CN029274, MONDO:0024530, OMIM 158810.

Submission:

Labcorp Genetics (formerly Invitae), Labcorp
Classification: Uncertain significance for Bethlem myopathy 1A. Last evaluated: 2022-09-30. Review status: criteria provided, single submitter. Criteria: Invitae Variant Classification Sherloc (09022015). Collection method: clinical testing. Allele origin: germline.
Comment: In summary, the available evidence is currently insufficient to determine the role of this variant in disease. Therefore, it has been classified as a Variant of Uncertain Significance. Advanced modeling of protein sequence and biophysical properties (such as structural, functional, and spatial information, amino acid conservation, physicochemical variation, residue mobility, and thermodynamic stability) performed at Invitae indicates that this missense variant is not expected to disrupt COL6A3 protein function. This variant has not been reported in the literature in individuals affected with COL6A3-related conditions. This variant is not present in population databases (gnomAD no frequency). This sequence change replaces valine, which is neutral and non-polar, with leucine, which is neutral and non-polar, at codon 1887 of the COL6A3 protein (p.Val1887Leu).

NM_004369.4(COL6A3):c.5659G>T (p.Val1887Leu)

Gene: COL6A3 (collagen type VI alpha 3 chain; minus strand). Cytogenetic location: 2q37.3.
Variant type: single nucleotide variant.
Coding change: c.5659G>T on transcript NM_004369.4 (MANE Select); coding-DNA position 5659, G replaced by T.
Protein change: p.Val1887Leu; replaces valine 1887 with leucine.
Molecular consequence: missense variant.
Genome position (GRCh38, 1-based): chr2:237,365,877, C>A on the plus strand (G>T on the coding strand, the complement: COL6A3 is on the minus strand). VCF-style: chr2-237365877-C-A. GRCh37 (hg19) VCF-style: chr2-238274520-C-A.
Other names: c.3838G>T, p.Val1280Leu (NM_057166.5); c.5041G>T, p.Val1681Leu (NM_057167.4); short protein forms V1280L, V1681L, V1887L.
Identifiers: ClinVar variation 1720731 (VCV001720731.6), dbSNP rs2469880110, ClinGen allele CA351185986.